The following is an entry in ClinVar:

ClinVar aggregate classification (germline): Uncertain significance (1 of 4 stars; one submission).

Conditions:
Inborn genetic diseases. Identifiers: MedGen C0950123, MeSH D030342.

Allele frequency attached by ClinVar (database versions not stated): gnomAD exomes below 0.00001.
gnomAD v4.1: 1 of 1,614,156 alleles (0.000062%); highest among the groups gnomAD compares: Non-Finnish European, 0.000085%; no homozygotes.

Submission:

Ambry Genetics
Classification: Uncertain significance for Inborn genetic diseases. Last evaluated: 2021-11-02. Review status: criteria provided, single submitter. Criteria: Ambry Variant Classification Scheme 2023. Collection method: clinical testing. Allele origin: germline.
Comment: The p.G855E variant (also known as c.2564G>A), located in coding exon 18 of the LTBP3 gene, results from a G to A substitution at nucleotide position 2564. The glycine at codon 855 is replaced by glutamic acid, an amino acid with similar properties. This amino acid position is conserved. In addition, this alteration is predicted to be deleterious by in silico analysis. Since supporting evidence is limited at this time, the clinical significance of this alteration remains unclear.

NM_001130144.3(LTBP3):c.2564G>A (p.Gly855Glu)

Gene: LTBP3 (latent transforming growth factor beta binding protein 3; minus strand). Cytogenetic location: 11q13.1.
Variant type: single nucleotide variant.
Coding change: c.2564G>A on transcript NM_001130144.3 (MANE Select); coding-DNA position 2564, G replaced by A.
Protein change: p.Gly855Glu; replaces glycine 855 with glutamic acid.
Molecular consequence: missense variant.
Genome position (GRCh38, 1-based): chr11:65,543,137, C>T on the plus strand (G>A on the coding strand, the complement: LTBP3 is on the minus strand). VCF-style: chr11-65543137-C-T. GRCh37 (hg19) VCF-style: chr11-65310608-C-T.
Other names: c.2564G>A, p.Gly855Glu (NM_021070.4); c.2213G>A, p.Gly738Glu (NM_001164266.1); short protein forms G738E, G855E.
Identifiers: ClinVar variation 1793152 (VCV001793152.2), dbSNP rs937188963, ClinGen allele CA381268921.